The following is an entry in ClinVar:

NM_000535.7(PMS2):c.1781T>A (p.Leu594Ter)

Gene: PMS2 (PMS1 homolog 2, mismatch repair system component; minus strand). Cytogenetic location: 7p22.1.
Variant type: single nucleotide variant.
Coding change: c.1781T>A on transcript NM_000535.7 (MANE Select); coding-DNA position 1781, T replaced by A.
Protein change: p.Leu594Ter; replaces leucine 594 with a stop codon.
Molecular consequence: nonsense. On other transcripts: non-coding transcript variant (1).
Genome position (GRCh38, 1-based): chr7:5,986,984, A>T on the plus strand (T>A on the coding strand, the complement: PMS2 is on the minus strand). VCF-style: chr7-5986984-A-T. GRCh37 (hg19) VCF-style: chr7-6026615-A-T.
Other names: c.1376T>A, p.Leu459Ter (NM_001018040.1, NM_001322003.2, NM_001322004.2 and 17 more transcripts); c.1625T>A, p.Leu542Ter (NM_001322006.2, NM_001406870.1); c.1463T>A, p.Leu488Ter (NM_001322007.2, NM_001322008.2, NM_001406876.1 and 2 more transcripts); c.1220T>A, p.Leu407Ter (NM_001322010.2, NM_001406906.1, NM_001406907.1); c.848T>A, p.Leu283Ter (NM_001322011.2, NM_001322012.2); c.1208T>A, p.Leu403Ter (NM_001322013.2, NM_001406909.1); c.1781T>A, p.Leu594Ter (NM_001322014.2, NM_001406871.1, NM_001406872.1); c.1472T>A, p.Leu491Ter (NM_001322015.2, NM_001406875.1, NM_001406877.1 and 5 more transcripts); and 12 more; short protein forms L283*, L528*, L538*, L403*, L423*, L436*, L439*, L459*.
Identifiers: ClinVar variation 1780011 (VCV001780011.2), dbSNP rs2128723564, ClinGen allele CA366739887.

ClinVar aggregate classification (germline): Pathogenic (1 of 4 stars; one submission).

Conditions:
Hereditary cancer-predisposing syndrome. Also called: Neoplastic Syndromes, Hereditary; Tumor predisposition; Hereditary Cancer Syndrome; Hereditary neoplastic syndrome. Identifiers: Orphanet 140162, MedGen C0027672, MeSH D009386, MONDO:0015356.

Submission:

Ambry Genetics
Classification: Pathogenic for Hereditary cancer-predisposing syndrome. Last evaluated: 2017-11-10. Review status: criteria provided, single submitter. Criteria: Ambry Variant Classification Scheme 2023. Collection method: clinical testing. Allele origin: germline.
Comment: The p.L594* pathogenic mutation (also known as c.1781T>A), located in coding exon 11 of the PMS2 gene, results from a T to A substitution at nucleotide position 1781. This changes the amino acid from a leucine to a stop codon within coding exon 11. This alteration is expected to result in loss of function by premature protein truncation or nonsense-mediated mRNA decay. As such, this alteration is interpreted as a disease-causing mutation.